The following is an entry in ClinVar:

ClinVar aggregate classification (germline): Uncertain significance (1 of 4 stars; one submission).

Conditions:
RYR1-related disorder. Also called: RYR1-related condition; RYR1-related disorders. Identifiers: MedGen CN239331.

Submission:

Labcorp Genetics (formerly Invitae), Labcorp
Classification: Uncertain significance for RYR1-related disorder. Last evaluated: 2024-10-03. Review status: criteria provided, single submitter. Criteria: Invitae Variant Classification Sherloc (09022015). Collection method: clinical testing. Allele origin: germline.
Comment: This sequence change replaces methionine, which is neutral and non-polar, with leucine, which is neutral and non-polar, at codon 4640 of the RYR1 protein (p.Met4640Leu). This variant is not present in population databases (gnomAD no frequency). This variant has not been reported in the literature in individuals affected with RYR1-related conditions. ClinVar contains an entry for this variant (Variation ID: 1477946). Invitae Evidence Modeling of protein sequence and biophysical properties (such as structural, functional, and spatial information, amino acid conservation, physicochemical variation, residue mobility, and thermodynamic stability) indicates that this missense variant is not expected to disrupt RYR1 protein function with a negative predictive value of 80%. This variant disrupts the p.Met4640 amino acid residue in RYR1. Other variant(s) that disrupt this residue have been determined to be pathogenic (PMID: 23183335, 26799446). This suggests that this residue is clinically significant, and that variants that disrupt this residue are likely to be disease-causing. In summary, the available evidence is currently insufficient to determine the role of this variant in disease. Therefore, it has been classified as a Variant of Uncertain Significance.

Literature cited by the submitters: PubMed 23183335; PubMed 26799446.

NM_000540.3(RYR1):c.13918A>T (p.Met4640Leu)

Gene: RYR1 (ryanodine receptor 1; plus strand). Cytogenetic location: 19q13.2.
Variant type: single nucleotide variant.
Coding change: c.13918A>T on transcript NM_000540.3 (MANE Select); coding-DNA position 13918, A replaced by T.
Protein change: p.Met4640Leu; replaces methionine 4640 with leucine.
Molecular consequence: missense variant.
Genome position (GRCh38, 1-based): chr19:38,572,190, A>T. VCF-style: chr19-38572190-A-T. GRCh37 (hg19) VCF-style: chr19-39062830-A-T.
Other names: c.13903A>T, p.Met4635Leu (NM_001042723.2); short protein forms M4635L, M4640L.
Identifiers: ClinVar variation 1477946 (VCV001477946.8), dbSNP rs756850145, ClinGen allele CA405681076.
Genomic context (GRCh38, chr19:38,572,190, plus strand): 5'-GCAGAGGGCGATGAGGATGAGAACATGGTGTACTACTTCCTGGAGGAAAGCACAGGCTAC[A>T]TGGAACCCGCCCTGCGGTGTCTGAGCCTCCTGCATACACTGGTGGCCTTTCTCTGCATCA-3'
Protein context (NP_000531.2, residues 4630-4650): YYFLEESTGY[Met4640Leu]EPALRCLSLL